The following is an entry in ClinVar:

NM_001042545.2(LTBP4):c.4642C>T (p.His1548Tyr)

Gene: LTBP4 (latent transforming growth factor beta binding protein 4; plus strand). Cytogenetic location: 19q13.2.
Variant type: single nucleotide variant.
Coding change: c.4642C>T on transcript NM_001042545.2 (MANE Select); coding-DNA position 4642, C replaced by T.
Protein change: p.His1548Tyr; replaces histidine 1548 with tyrosine.
Molecular consequence: missense variant.
Genome position (GRCh38, 1-based): chr19:40,629,518, C>T. VCF-style: chr19-40629518-C-T. GRCh37 (hg19) VCF-style: chr19-41135423-C-T.
Other names: c.4843C>T, p.His1615Tyr (NM_001042544.1); c.4732C>T, p.His1578Tyr (NM_003573.2); short protein forms H1578Y, H1615Y, H1548Y.
Identifiers: ClinVar variation 1484422 (VCV001484422.5), dbSNP rs369835064, ClinGen allele CA9449406.

ClinVar aggregate classification (germline): Uncertain significance (1 of 4 stars; one submission).

Allele frequency attached by ClinVar (database versions not stated): gnomAD 0.00001; gnomAD exomes 0.00001 and 0.00003; TOPMed 0.00001; ExAC 0.00004.
gnomAD v4.1: 15 of 1,587,712 alleles (0.00094%); highest among the groups gnomAD compares: East Asian, 0.025%; no homozygotes.

Submission:

Labcorp Genetics (formerly Invitae), Labcorp
Classification: Uncertain significance. Last evaluated: 2021-12-03. Review status: criteria provided, single submitter. Criteria: Invitae Variant Classification Sherloc (09022015). Collection method: clinical testing. Allele origin: germline.
Comment: In summary, the available evidence is currently insufficient to determine the role of this variant in disease. Therefore, it has been classified as a Variant of Uncertain Significance. Experimental studies and prediction algorithms are not available or were not evaluated, and the functional significance of this variant is currently unknown. This variant has not been reported in the literature in individuals affected with LTBP4-related conditions. This variant is present in population databases (rs369835064, gnomAD 0.04%). This sequence change replaces histidine, which is basic and polar, with tyrosine, which is neutral and polar, at codon 1578 of the LTBP4 protein (p.His1578Tyr).